The following is an entry in ClinVar:

ClinVar aggregate classification (germline): Uncertain significance (1 of 4 stars; one submission).

Conditions:
Congenital contractural arachnodactyly (CCA). Also called: BEALS SYNDROME; Arthrogryposis, distal, type 9; Beals-Hecht syndrome. Identifiers: Orphanet 115, MedGen C0220668, MONDO:0007363, OMIM 121050.

Allele frequency attached by ClinVar (database versions not stated): gnomAD exomes below 0.00001.
gnomAD v4.1: 4 of 1,613,194 alleles (0.00025%); highest among the groups gnomAD compares: Non-Finnish European, 0.00034%; no homozygotes.

Submission:

Labcorp Genetics (formerly Invitae), Labcorp
Classification: Uncertain significance for Congenital contractural arachnodactyly. Last evaluated: 2024-05-23. Review status: criteria provided, single submitter. Criteria: Invitae Variant Classification Sherloc (09022015). Collection method: clinical testing. Allele origin: germline.
Comment: This sequence change replaces proline, which is neutral and non-polar, with leucine, which is neutral and non-polar, at codon 2009 of the FBN2 protein (p.Pro2009Leu). This variant is not present in population databases (gnomAD no frequency). This variant has not been reported in the literature in individuals affected with FBN2-related conditions. Advanced modeling of protein sequence and biophysical properties (such as structural, functional, and spatial information, amino acid conservation, physicochemical variation, residue mobility, and thermodynamic stability) performed at Invitae indicates that this missense variant is not expected to disrupt FBN2 protein function with a negative predictive value of 80%. In summary, the available evidence is currently insufficient to determine the role of this variant in disease. Therefore, it has been classified as a Variant of Uncertain Significance.

NM_001999.4(FBN2):c.6026C>T (p.Pro2009Leu)

Gene: FBN2 (fibrillin 2; minus strand). Cytogenetic location: 5q23.3.
Variant type: single nucleotide variant.
Coding change: c.6026C>T on transcript NM_001999.4 (MANE Select); coding-DNA position 6026, C replaced by T.
Protein change: p.Pro2009Leu; replaces proline 2009 with leucine.
Molecular consequence: missense variant.
Genome position (GRCh38, 1-based): chr5:128,301,402, G>A on the plus strand (C>T on the coding strand, the complement: FBN2 is on the minus strand). VCF-style: chr5-128301402-G-A. GRCh37 (hg19) VCF-style: chr5-127637094-G-A.
Other names: short protein forms P2009L.
Identifiers: ClinVar variation 2912950 (VCV002912950.3), dbSNP rs1236374284, ClinGen allele CA360766686.